The following is an entry in ClinVar:

NM_005630.3(SLCO2A1):c.1149del (p.Gly384fs)

Gene: SLCO2A1 (solute carrier organic anion transporter family member 2A1; minus strand). Cytogenetic location: 3q22.1.
Variant type: Deletion.
Coding change: c.1149del on transcript NM_005630.3 (MANE Select); coding-DNA position 1149, one base deleted (A; older notation c.1149delA).
Protein change: p.Gly384fs; shifts the reading frame from glycine 384.
Molecular consequence: frameshift variant.
Genome position (GRCh38, 1-based): chr3:133,947,402, T deleted on the plus strand (A on the coding strand, the reverse complement: SLCO2A1 is on the minus strand). VCF-style (leftmost placement, unchanged base first): chr3-133947401-CT-C. GRCh37 (hg19) VCF-style: chr3-133666245-CT-C.
Other names: short protein forms G384fs.
Identifiers: ClinVar variation 4293336 (VCV004293336.1).
Genomic context (GRCh38, chr3:133,947,401, plus strand): 5'-TGGTGGTAGCTATGCGGGGAATGGCTTGTAGAGAGAAAACAAAGCGCTTCATGAGGATTC[CT>C]CCAAACAGCATCCCCAAGGCTGCAGCAGGGAGGTTCACAGCACCTATAAGTGGAAAGAAG-3'

ClinVar aggregate classification (germline): Likely pathogenic (1 of 4 stars; one submission).

Conditions:
Hypertrophic osteoarthropathy, primary, autosomal recessive, 2 (PHOAR2E). Also called: PACHYDERMOPERIOSTOSIS, AUTOSOMAL RECESSIVE; PDP, AUTOSOMAL RECESSIVE; HYPERTROPHIC OSTEOARTHROPATHY, PRIMARY, AUTOSOMAL RECESSIVE, 2/ENTEROPATHY SYNDROME; PHOAR2-enteropathy syndrome. Identifiers: Orphanet 2796, MedGen C3280800, MONDO:0013756, OMIM 614441.

Submission:

3billion
Classification: Likely pathogenic for Hypertrophic osteoarthropathy, primary, autosomal recessive, 2. Last evaluated: 2024-07-10. Review status: criteria provided, single submitter. Criteria: ACMG Guidelines, 2015. Collection method: clinical testing. Allele origin: germline. Affected: yes.
Comment: The variant is not observed in the gnomAD v4.0.0 dataset. Predicted Consequence/Location: Frameshift: predicted to result in a loss or disruption of normal protein function through nonsense-mediated decay (NMD) or protein truncation. Multiple pathogenic variants are reported downstream of the variant. Therefore, this variant is classified as Likely pathogenic according to the recommendation of ACMG/AMP guideline.